The following is an entry in ClinVar:

NM_000169.3(GLA):c.539_547delinsC (p.Leu180fs)

Genes: GLA (galactosidase alpha; minus strand), RPL36A-HNRNPH2 (RPL36A-HNRNPH2 readthrough; plus strand). Cytogenetic location: Xq22.1.
Variant type: Indel.
Coding change: c.539_547delinsC on transcript NM_000169.3 (MANE Select); coding-DNA positions 539 to 547, TGGCAGATG replaced by C.
Protein change: p.Leu180fs; shifts the reading frame from leucine 180.
Molecular consequence: frameshift variant. On other transcripts: non-coding transcript variant (3), intron variant (2).
Genome position (GRCh38, 1-based): chrX:101,401,632-101,401,640, CATCTGCCA replaced by G on the plus strand (TGGCAGATG replaced by C on the coding strand, the reverse complement: GLA is on the minus strand). VCF-style: chrX-101401632-CATCTGCCA-G. GRCh37 (hg19) VCF-style: chrX-100656620-CATCTGCCA-G.
Other names: c.662_670delinsC, p.Leu221fs (NM_001406747.1, NM_001406749.1); c.539_547delinsC, p.Leu180fs (NM_001406748.1); c.300+6175_300+6183delinsG (NM_001199973.2); c.177+9810_177+9818delinsG (NM_001199974.2); short protein forms L180fs, L221fs.
Identifiers: ClinVar variation 4086972 (VCV004086972.2).

ClinVar aggregate classification (germline): Pathogenic (1 of 4 stars; one submission).

Conditions:
Fabry disease. Also called: ALPHA-GALACTOSIDASE A DEFICIENCY; ANDERSON-FABRY DISEASE; CERAMIDE TRIHEXOSIDASE DEFICIENCY; GLA DEFICIENCY; HEREDITARY DYSTOPIC LIPIDOSIS; Angiokeratoma corporis diffusum. Identifiers: Orphanet 324, MedGen C0002986, MONDO:0010526, OMIM 301500, HP:0001071. Disease mechanism: Fabry disease is due to inactivating mutations in the X-linked GLA gene resulting in deficiency of the enzyme Alpha Galactosidase-A., loss of function.

Submission:

Genomenon, Inc
Classification: Pathogenic for Fabry disease. Last evaluated: 2026-09-08. Review status: criteria provided, single submitter. Criteria: Genomenon Sequence Variant Interpretation Standards - Updated. Collection method: curation. Allele origin: germline. Affected: yes.
Comment: GLA p.Leu180SerfsTer3 (c.539_547delinsC) is a frameshift variant that is predicted to introduce a premature termination codon and result in a truncated or absent protein product. This variant has been observed in at least one proband with clinical features consistent with Fabry disease (PMID:36140787). The variant was found to segregate with disease in at least one affected family (PMID:36140787). Functional or patient cell studies have been reported (PMID:36140787). It is absent or not present at a significant frequency in gnomAD. In conclusion, we classify GLA p.Leu180SerfsTer3 (c.539_547delinsC) as a pathogenic variant.

Literature cited by the submitters: PubMed 36140787.